The following is an entry in ClinVar:

NM_000268.4(NF2):c.1446+1G>A

Gene: NF2 (NF2, moesin-ezrin-radixin like (MERLIN) tumor suppressor; plus strand). Cytogenetic location: 22q12.2.
Variant type: single nucleotide variant.
Coding change: c.1446+1G>A on transcript NM_000268.4 (MANE Select); the canonical splice donor site of the intron after coding-DNA position 1446, G replaced by A.
Molecular consequence: splice donor variant. On other transcripts: intron variant (1).
Genome position (GRCh38, 1-based): chr22:29,674,942, G>A. VCF-style: chr22-29674942-G-A. GRCh37 (hg19) VCF-style: chr22-30070931-G-A.
Other names: c.1446+1G>A (NM_016418.5, NM_181832.3, NM_001407060.1 and 2 more transcripts); c.1332+1G>A (NM_001407056.1, NM_001407053.1); c.1215+1G>A (NM_001407067.1); c.912+1G>A (NM_001407065.1); c.1311+1G>A (NM_001407059.1, NM_001407057.1); c.448-19810G>A (NM_181833.3); c.1323+1G>A (NM_001407058.1, NM_181829.3, NM_001407054.1); c.1188+1G>A (NM_001407062.1); and 2 more.
Identifiers: ClinVar variation 664990 (VCV000664990.7), dbSNP rs1601652425, ClinGen allele CA411149239.
Genomic context (GRCh38, chr22:29,674,942, plus strand): 5'-GAGGCGGAGCGAAGAGCCAAGCAGAAGCTCCTGGAGATTGCCACCAAGCCCACGTACCCG[G>A]TGAGCCTGGGGGCCACCAGCTGGGGCTGCCTTAGTCCTGGTGATGTTCTCTTTCCTCCCG-3'

ClinVar aggregate classification (germline): Pathogenic (1 of 4 stars; one submission).

Conditions:
Neurofibromatosis, type 2 (SWNV). Also called: BILATERAL ACOUSTIC NEUROFIBROMATOSIS; SCHWANNOMATOSIS, VESTIBULAR; NF2-Related Schwannomatosis. Identifiers: Orphanet 637, MedGen C0027832, MONDO:0007039, OMIM 101000. Disease mechanism: loss of function.

Submission:

Labcorp Genetics (formerly Invitae), Labcorp
Classification: Pathogenic for Neurofibromatosis, type 2. Last evaluated: 2025-03-13. Review status: criteria provided, single submitter. Criteria: Invitae Variant Classification Sherloc (09022015). Collection method: clinical testing. Allele origin: germline.
Comment: This sequence change affects a donor splice site in intron 13 of the NF2 gene. It is expected to disrupt RNA splicing. Variants that disrupt the donor or acceptor splice site typically lead to a loss of protein function (PMID: 16199547), and loss-of-function variants in NF2 are known to be pathogenic (PMID: 9643284, 16983642). This variant is not present in population databases (gnomAD no frequency). Disruption of this splice site has been observed in individual(s) with NF2-related schwannomatosis (PMID: 31567203, 33067351; internal data). In at least one individual the variant was observed to be de novo. ClinVar contains an entry for this variant (Variation ID: 664990). Algorithms developed to predict the effect of sequence changes on RNA splicing suggest that this variant may disrupt the consensus splice site. For these reasons, this variant has been classified as Pathogenic.

Literature cited by the submitters: PubMed 16199547; PubMed 9643284; PubMed 16983642; PubMed 31567203; PubMed 33067351.